The following is an entry in ClinVar:

ClinVar aggregate classification (germline): Uncertain significance. Review status: criteria provided, single submitter (1 of 4 stars). 2 submissions from 2 submitters: Uncertain significance (1). 1 of the submissions does not count toward it. Last evaluated 2024-01-15.

Conditions:
Usher syndrome type 2A. Also called: RETINAL DISEASE IN USHER SYNDROME TYPE IIA, MODIFIER OF; USHER SYNDROME, TYPE IIA. Identifiers: Orphanet 231178, Orphanet 886, MedGen C1848634, MONDO:0010169, OMIM 276901.

Allele frequency attached by ClinVar (database versions not stated): gnomAD exomes below 0.00001.
gnomAD v4.1: 2 of 1,613,846 alleles (0.00012%); highest among the groups gnomAD compares: Non-Finnish European, 0.00017%; no homozygotes.

Submissions (2):

Labcorp Genetics (formerly Invitae), Labcorp
Classification: Uncertain significance. Last evaluated: 2024-01-15. Review status: criteria provided, single submitter. Criteria: Invitae Variant Classification Sherloc (09022015). Collection method: clinical testing. Allele origin: germline.
Comment: This sequence change replaces asparagine, which is neutral and polar, with serine, which is neutral and polar, at codon 3480 of the USH2A protein (p.Asn3480Ser). This variant is not present in population databases (gnomAD no frequency). This variant has not been reported in the literature in individuals affected with USH2A-related conditions. Advanced modeling of protein sequence and biophysical properties (such as structural, functional, and spatial information, amino acid conservation, physicochemical variation, residue mobility, and thermodynamic stability) has been performed at Invitae for this missense variant, however the output from this modeling did not meet the statistical confidence thresholds required to predict the impact of this variant on USH2A protein function. In summary, the available evidence is currently insufficient to determine the role of this variant in disease. Therefore, it has been classified as a Variant of Uncertain Significance.

Natera, Inc.
Classification: Uncertain significance for Usher syndrome type 2A. Last evaluated: 2025-04-10. Review status: no assertion criteria provided. Collection method: clinical testing. Allele origin: germline. Not counted in ClinVar's aggregate classification.

NM_206933.4(USH2A):c.10439A>G (p.Asn3480Ser)

Gene: USH2A (usherin; minus strand). Cytogenetic location: 1q41.
Variant type: single nucleotide variant.
Coding change: c.10439A>G on transcript NM_206933.4 (MANE Select); coding-DNA position 10439, A replaced by G.
Protein change: p.Asn3480Ser; replaces asparagine 3480 with serine.
Molecular consequence: missense variant.
Genome position (GRCh38, 1-based): chr1:215,782,884, T>C on the plus strand (A>G on the coding strand, the complement: USH2A is on the minus strand). VCF-style: chr1-215782884-T-C. GRCh37 (hg19) VCF-style: chr1-215956226-T-C.
Other names: c.10439A>G (NM_206933.2); short protein forms N3480S.
Identifiers: ClinVar variation 2809484 (VCV002809484.4), dbSNP rs2464394709, ClinGen allele CA344837990.